The following is an entry in ClinVar:

ClinVar aggregate classification (germline): Uncertain significance (1 of 4 stars; one submission).

Allele frequency attached by ClinVar (database versions not stated): gnomAD exomes below 0.00001.
gnomAD v4.1: 1 of 1,604,796 alleles (0.000062%); highest among the groups gnomAD compares: South Asian, 0.0011%; no homozygotes.

Submission:

GeneDx
Classification: Uncertain significance. Last evaluated: 2023-06-14. Review status: criteria provided, single submitter. Criteria: GeneDx Variant Classification Process June 2021. Collection method: clinical testing. Allele origin: germline.
Comment: Not observed at significant frequency in large population cohorts (gnomAD); In silico analysis supports that this missense variant has a deleterious effect on protein structure/function; Has not been previously published as pathogenic or benign to our knowledge

NM_006766.5(KAT6A):c.1764T>G (p.Ile588Met)

Gene: KAT6A (lysine acetyltransferase 6A; minus strand). Cytogenetic location: 8p11.21.
Variant type: single nucleotide variant.
Coding change: c.1764T>G on transcript NM_006766.5 (MANE Select); coding-DNA position 1764, T replaced by G.
Protein change: p.Ile588Met; replaces isoleucine 588 with methionine.
Molecular consequence: missense variant.
Genome position (GRCh38, 1-based): chr8:41,947,889, A>C on the plus strand (T>G on the coding strand, the complement: KAT6A is on the minus strand). VCF-style: chr8-41947889-A-C. GRCh37 (hg19) VCF-style: chr8-41805407-A-C.
Other names: c.1764T>G, p.Ile588Met (NM_001305878.2); short protein forms I588M.
Identifiers: ClinVar variation 2502733 (VCV002502733.2), dbSNP rs2486786673, ClinGen allele CA371074060.
Genomic context (GRCh38, chr8:41,947,889, plus strand): 5'-GTAATAGAGGGTTTTGTGGTCAAGAAACAACTTTGCCAAAAGACACAGGTTTTGACAATA[A>C]ATGGTACTCACATTCCCATCAACCTAGAGAAATAAACAGAACAAAACAGTCAGTAGAGGG-3'
Protein context (NP_006757.2, residues 578-598): VFEVDGNVST[Ile588Met]YCQNLCLLAK